The following is an entry in ClinVar:

ClinVar aggregate classification (germline): Uncertain significance. Review status: criteria provided, multiple submitters, no conflicts (2 of 4 stars). 2 submissions from 2 submitters: Uncertain significance (2). Last evaluated 2024-11-11.

Conditions:
Inborn genetic diseases. Identifiers: MedGen C0950123, MeSH D030342.

Allele frequency attached by ClinVar (database versions not stated): gnomAD 0.00001; gnomAD exomes 0.00001; TOPMed 0.00001.
gnomAD v4.1: 5 of 1,613,924 alleles (0.00031%); highest among the groups gnomAD compares: Admixed American, 0.0083%; no homozygotes.

Submissions (2):

Ambry Genetics
Classification: Uncertain significance for Inborn genetic diseases. Last evaluated: 2024-11-11. Review status: criteria provided, single submitter. Criteria: Ambry Variant Classification Scheme 2023. Collection method: clinical testing. Allele origin: germline.

Labcorp Genetics (formerly Invitae), Labcorp
Classification: Uncertain significance. Last evaluated: 2022-10-27. Review status: criteria provided, single submitter. Criteria: Invitae Variant Classification Sherloc (09022015). Collection method: clinical testing. Allele origin: germline.
Comment: This sequence change replaces valine, which is neutral and non-polar, with leucine, which is neutral and non-polar, at codon 530 of the SLC34A1 protein (p.Val530Leu). This variant is present in population databases (no rsID available, gnomAD 0.1%). This variant has not been reported in the literature in individuals affected with SLC34A1-related conditions. Advanced modeling of protein sequence and biophysical properties (such as structural, functional, and spatial information, amino acid conservation, physicochemical variation, residue mobility, and thermodynamic stability) performed at Invitae indicates that this missense variant is not expected to disrupt SLC34A1 protein function. In summary, the available evidence is currently insufficient to determine the role of this variant in disease. Therefore, it has been classified as a Variant of Uncertain Significance.

NM_003052.5(SLC34A1):c.1588G>T (p.Val530Leu)

Gene: SLC34A1 (solute carrier family 34 member 1; plus strand). Cytogenetic location: 5q35.3.
Variant type: single nucleotide variant.
Coding change: c.1588G>T on transcript NM_003052.5 (MANE Select); coding-DNA position 1588, G replaced by T.
Protein change: p.Val530Leu; replaces valine 530 with leucine.
Molecular consequence: missense variant.
Genome position (GRCh38, 1-based): chr5:177,397,954, G>T. VCF-style: chr5-177397954-G-T. GRCh37 (hg19) VCF-style: chr5-176824955-G-T.
Other names: short protein forms V530L.
Identifiers: ClinVar variation 1988294 (VCV001988294.3), dbSNP rs1207641215, ClinGen allele CA362316608.